The following is an entry in ClinVar:

ClinVar aggregate classification (germline): Uncertain significance (1 of 4 stars; one submission).

Conditions:
Epileptic encephalopathy. Identifiers: MedGen C0543888, HP:0200134.

Submission:

Labcorp Genetics (formerly Invitae), Labcorp
Classification: Uncertain significance for Epileptic encephalopathy. Last evaluated: 2023-04-15. Review status: criteria provided, single submitter. Criteria: Invitae Variant Classification Sherloc (09022015). Collection method: clinical testing. Allele origin: unknown.
Comment: In summary, the available evidence is currently insufficient to determine the role of this variant in disease. Therefore, it has been classified as a Variant of Uncertain Significance. This variant has not been reported in the literature in individuals affected with FASN-related conditions. This variant results in a copy number gain of the genomic region encompassing exon(s) 1-36 of the FASN gene. This region includes the initiator codon of the gene. This copy number gain extends beyond the assayed region for this gene and therefore may encompass additional genes. As the precise location of this event is unknown, it may be in tandem or it may be located elsewhere in the genome.

NC_000017.10:g.(?_80039865)_(80901020_?)dup

Genes: CCDC57 (coiled-coil domain containing 57; minus strand), CD7 (CD7 molecule; minus strand), CSNK1D (casein kinase 1 delta; minus strand), CYBC1 (cytochrome b-245 chaperone 1; minus strand), FASN (fatty acid synthase; minus strand) and 15 more. Cytogenetic location: 17q25.3.
Variant type: Duplication.
Identifiers: ClinVar variation 3242977 (VCV003242977.1).